The following is an entry in ClinVar:

ClinVar aggregate classification (germline): Conflicting classifications of pathogenicity. Review status: criteria provided, conflicting classifications (1 of 4 stars). 6 submissions from 5 submitters: Uncertain significance (1); Likely benign (3). 2 of the submissions do not count toward it. Last evaluated 2025-09-04.

Conditions:
FUS-related disorder. Also called: FUS-related condition.
Amyotrophic lateral sclerosis type 6. Also called: Amyotrophic lateral sclerosis 6, with or without frontotemporal dementia; FUS-Related Amyotrophic Laterial Sclerosis; AMYOTROPHIC LATERAL SCLEROSIS 6 WITHOUT FRONTOTEMPORAL DEMENTIA. Identifiers: Orphanet 275872, Orphanet 803, MedGen C2931786, MONDO:0011951, OMIM 608030.
Tremor, hereditary essential, 4 (ETM4). Identifiers: MedGen C3539195, MONDO:0013888, OMIM 614782.

Allele frequency attached by ClinVar (database versions not stated): ExAC 0.00003; gnomAD exomes 0.00004 and 0.00013; TOPMed 0.00019; gnomAD 0.00022.

Submissions (6):

PreventionGenetics, part of Exact Sciences
Classification: Likely benign for FUS-related condition. Last evaluated: 2025-09-04. Review status: criteria provided, single submitter. Criteria: ACMG Guidelines, 2015. Collection method: clinical testing. Allele origin: germline.
Comment: This variant is classified as likely benign based on ACMG/AMP sequence variant interpretation guidelines (Richards et al. 2015 PMID: 25741868, with internal and published modifications).

Labcorp Genetics (formerly Invitae), Labcorp
Classification: Likely benign for Tremor, hereditary essential, 4; Amyotrophic lateral sclerosis type 6. Last evaluated: 2025-06-29. Review status: criteria provided, single submitter. Criteria: Invitae Variant Classification Sherloc (09022015). Collection method: clinical testing. Allele origin: germline.

Mendelics
Classification: Uncertain significance. Last evaluated: 2022-05-04. Review status: criteria provided, single submitter. Criteria: Mendelics Assertion Criteria 2019. Collection method: clinical testing. Allele origin: germline.

GeneDx
Classification: Likely benign. Last evaluated: 2019-08-08. Review status: criteria provided, single submitter. Criteria: GeneDx Variant Classification Process June 2021. Collection method: clinical testing. Allele origin: germline. Affected: yes.
Comment: This variant is associated with the following publications: (PMID: 31589614, 31630970, 21261515, 23731953, 23601511, 22863194, 19861302, 25625564)

OMIM
Classification: Pathogenic for AMYOTROPHIC LATERAL SCLEROSIS 6 WITHOUT FRONTOTEMPORAL DEMENTIA. Last evaluated: 2012-08-10. Review status: no assertion criteria provided. Collection method: literature only. Allele origin: germline. Not counted in ClinVar's aggregate classification.

OMIM
Classification: Pathogenic for TREMOR, HEREDITARY ESSENTIAL, 4. Last evaluated: 2012-08-10. Review status: no assertion criteria provided. Collection method: literature only. Allele origin: germline. Not counted in ClinVar's aggregate classification.

Literature cited by the submitters: PubMed 19861302 (cited by OMIM); PubMed 22863194 (cited by OMIM).

NM_004960.4(FUS):c.646C>T (p.Arg216Cys)

Gene: FUS (FUS RNA binding protein; plus strand). Cytogenetic location: 16p11.2.
Variant type: single nucleotide variant.
Coding change: c.646C>T on transcript NM_004960.4 (MANE Select); coding-DNA position 646, C replaced by T.
Protein change: p.Arg216Cys; replaces arginine 216 with cysteine.
Molecular consequence: missense variant. On other transcripts: non-coding transcript variant (1).
Genome position (GRCh38, 1-based): chr16:31,185,061, C>T. VCF-style: chr16-31185061-C-T. GRCh37 (hg19) VCF-style: chr16-31196382-C-T.
Other names: c.643C>T, p.Arg215Cys (NM_001170634.1); c.634C>T, p.Arg212Cys (NM_001170937.1); short protein forms R216C, R212C, R215C.
Identifiers: ClinVar variation 16227 (VCV000016227.12), dbSNP rs267606832, ClinGen allele CA130062.